The following is an entry in ClinVar:

NM_001369268.1(ACAN):c.370C>T (p.Arg124Cys)

Gene: ACAN (aggrecan; plus strand). Cytogenetic location: 15q26.1.
Variant type: single nucleotide variant.
Coding change: c.370C>T on transcript NM_001369268.1 (MANE Select); coding-DNA position 370, C replaced by T.
Protein change: p.Arg124Cys; replaces arginine 124 with cysteine.
Molecular consequence: missense variant.
Genome position (GRCh38, 1-based): chr15:88,838,962, C>T. VCF-style: chr15-88838962-C-T. GRCh37 (hg19) VCF-style: chr15-89382193-C-T.
Other names: c.370C>T, p.Arg124Cys (NM_001135.4, NM_001411096.1, NM_001411097.1 and 1 more transcripts); short protein forms R124C.
Identifiers: ClinVar variation 2418373 (VCV002418373.6), dbSNP rs201105250, ClinGen allele CA7719204.

ClinVar aggregate classification (germline): Uncertain significance (1 of 4 stars; one submission).

Allele frequency attached by ClinVar (database versions not stated): ExAC 0.00001; gnomAD 0.00002; TOPMed 0.00002.
gnomAD v4.1: 78 of 1,613,466 alleles (0.0048%); highest among the groups gnomAD compares: Non-Finnish European, 0.0062%; no homozygotes.

Submission:

Labcorp Genetics (formerly Invitae), Labcorp
Classification: Uncertain significance. Last evaluated: 2023-11-14. Review status: criteria provided, single submitter. Criteria: Invitae Variant Classification Sherloc (09022015). Collection method: clinical testing. Allele origin: germline.
Comment: This sequence change replaces arginine, which is basic and polar, with cysteine, which is neutral and slightly polar, at codon 124 of the ACAN protein (p.Arg124Cys). This variant is present in population databases (rs201105250, gnomAD 0.004%). This missense change has been observed in individual(s) with clinical features of autosomal dominant ACAN-related conditions (Invitae). ClinVar contains an entry for this variant (Variation ID: 2418373). Advanced modeling of protein sequence and biophysical properties (such as structural, functional, and spatial information, amino acid conservation, physicochemical variation, residue mobility, and thermodynamic stability) performed at Invitae indicates that this missense variant is not expected to disrupt ACAN protein function with a negative predictive value of 80%. This variant disrupts the p.Arg124 amino acid residue in ACAN. Other variant(s) that disrupt this residue have been observed in individuals with ACAN-related conditions (PMID: 29464738; Invitae), which suggests that this may be a clinically significant amino acid residue. In summary, the available evidence is currently insufficient to determine the role of this variant in disease. Therefore, it has been classified as a Variant of Uncertain Significance.

Literature cited by the submitters: PubMed 29464738.